The following is an entry in ClinVar:

ClinVar aggregate classification (germline): Uncertain significance (1 of 4 stars; one submission).

Conditions:
Hereditary cancer-predisposing syndrome. Also called: Neoplastic Syndromes, Hereditary; Tumor predisposition; Hereditary Cancer Syndrome; Hereditary neoplastic syndrome. Identifiers: Orphanet 140162, MedGen C0027672, MeSH D009386, MONDO:0015356.

Submission:

Ambry Genetics
Classification: Uncertain significance for Hereditary cancer-predisposing syndrome. Last evaluated: 2026-04-20. Review status: criteria provided, single submitter. Criteria: Ambry Variant Classification Scheme 2023. Collection method: clinical testing. Allele origin: germline.
Comment: The p.C203Y variant (also known as c.608G>A), located in coding exon 6 of the TSC2 gene, results from a G to A substitution at nucleotide position 608. The cysteine at codon 203 is replaced by tyrosine, an amino acid with highly dissimilar properties. This amino acid position is conserved. In addition, this alteration is predicted to be deleterious by in silico analysis. Based on the available evidence, the clinical significance of this variant remains unclear.

NM_000548.5(TSC2):c.608G>A (p.Cys203Tyr)

Gene: TSC2 (TSC complex subunit 2; plus strand). Cytogenetic location: 16p13.3.
Variant type: single nucleotide variant.
Coding change: c.608G>A on transcript NM_000548.5 (MANE Select); coding-DNA position 608, G replaced by A.
Protein change: p.Cys203Tyr; replaces cysteine 203 with tyrosine.
Molecular consequence: missense variant. On other transcripts: 5 prime UTR variant (10), non-coding transcript variant (5).
Genome position (GRCh38, 1-based): chr16:2,056,204, G>A. VCF-style: chr16-2056204-G-A. GRCh37 (hg19) VCF-style: chr16-2106205-G-A.
Other names: c.608G>A, p.Cys203Tyr (NM_001363528.2, NM_001370404.1, NM_001370405.1 and 8 more transcripts); c.698G>A, p.Cys233Tyr (NM_001406667.1, NM_001406668.1); c.497G>A, p.Cys166Tyr (NM_001406670.1, NM_001318827.2, NM_001406678.1); c.461G>A, p.Cys154Tyr (NM_001318829.2, NM_001406675.1, NM_001406676.1 and 1 more transcripts); c.8G>A, p.Cys3Tyr (NM_001318831.2, NM_001406683.1, NM_001406684.1 and 6 more transcripts); c.641G>A, p.Cys214Tyr (NM_001318832.2); c.-824G>A (NM_001406689.1, NM_001406690.1, NM_001406691.1 and 3 more transcripts); c.-705G>A (NM_001406694.1, NM_001406695.1); and 4 more; short protein forms C154Y, C166Y, C184Y, C203Y, C214Y, C233Y, C3Y, C49Y.
Identifiers: ClinVar variation 4866094 (VCV004866094.1).